The following is an entry in ClinVar:

NM_001148.6(ANK2):c.1373A>G (p.Asp458Gly)

Gene: ANK2 (ankyrin 2; plus strand). Cytogenetic location: 4q26.
Variant type: single nucleotide variant.
Coding change: c.1373A>G on transcript NM_001148.6 (MANE Select); coding-DNA position 1373, A replaced by G.
Protein change: p.Asp458Gly; replaces aspartic acid 458 with glycine.
Molecular consequence: missense variant. On other transcripts: intron variant (5).
Genome position (GRCh38, 1-based): chr4:113,258,398, A>G. VCF-style: chr4-113258398-A-G. GRCh37 (hg19) VCF-style: chr4-114179554-A-G.
Other names: c.1286A>G, p.Asp429Gly (NM_001354271.2, NM_001354274.2, NM_001386150.1 and 13 more transcripts); c.1310A>G, p.Asp437Gly (NM_001354272.2, NM_001386156.1, NM_001386161.1 and 14 more transcripts); c.1418A>G, p.Asp473Gly (NM_001386152.1, NM_001354230.2, NM_001354231.2 and 5 more transcripts); c.1331A>G, p.Asp444Gly (NM_001386160.1, NM_001354261.2, NM_001386147.1); c.1424A>G, p.Asp475Gly (NM_001386174.1); c.1373A>G, p.Asp458Gly (NM_001354225.2, NM_001354228.2, NM_001354232.2 and 8 more transcripts); c.1361A>G, p.Asp454Gly (NM_001386148.2, NM_001386186.2); c.1400A>G, p.Asp467Gly (NM_001386175.1); and 4 more; short protein forms D429G, D454G, D437G, D444G, D446G, D473G, D458G, D467G.
Identifiers: ClinVar variation 1365788 (VCV001365788.8), dbSNP rs2153635253, ClinGen allele CA357928063.

ClinVar aggregate classification (germline): Uncertain significance (1 of 4 stars; one submission).

Conditions:
Long QT syndrome (LQTS). Identifiers: MedGen C0023976, MeSH D008133, MONDO:0002442. Disease mechanism: loss of function. Inheritance: Various modes of inheritance.

Submission:

Labcorp Genetics (formerly Invitae), Labcorp
Classification: Uncertain significance for Long QT syndrome. Last evaluated: 2023-04-12. Review status: criteria provided, single submitter. Criteria: Invitae Variant Classification Sherloc (09022015). Collection method: clinical testing. Allele origin: germline.
Comment: In summary, the available evidence is currently insufficient to determine the role of this variant in disease. Therefore, it has been classified as a Variant of Uncertain Significance. Advanced modeling of protein sequence and biophysical properties (such as structural, functional, and spatial information, amino acid conservation, physicochemical variation, residue mobility, and thermodynamic stability) has been performed at Invitae for this missense variant, however the output from this modeling did not meet the statistical confidence thresholds required to predict the impact of this variant on ANK2 protein function. ClinVar contains an entry for this variant (Variation ID: 1365788). This variant has not been reported in the literature in individuals affected with ANK2-related conditions. This variant is not present in population databases (gnomAD no frequency). This sequence change replaces aspartic acid, which is acidic and polar, with glycine, which is neutral and non-polar, at codon 458 of the ANK2 protein (p.Asp458Gly).